The following is an entry in ClinVar:

NM_001904.4(CTNNB1):c.1052C>T (p.Ser351Phe)

Gene: CTNNB1 (catenin beta 1; plus strand). Cytogenetic location: 3p22.1.
Variant type: single nucleotide variant.
Coding change: c.1052C>T on transcript NM_001904.4 (MANE Select); coding-DNA position 1052, C replaced by T.
Protein change: p.Ser351Phe; replaces serine 351 with phenylalanine.
Molecular consequence: missense variant.
Genome position (GRCh38, 1-based): chr3:41,227,323, C>T. VCF-style: chr3-41227323-C-T. GRCh37 (hg19) VCF-style: chr3-41268814-C-T.
Other names: c.1052C>T, p.Ser351Phe (NM_001098209.2, NM_001098210.2, NM_001438871.1 and 4 more transcripts); c.1031C>T, p.Ser344Phe (NM_001330729.2); short protein forms S344F, S351F.
Identifiers: ClinVar variation 4538961 (VCV004538961.1).
Genomic context (GRCh38, chr3:41,227,323, plus strand): 5'-ATACTTACGAAAAACTACTGTGGACCACAAGCAGAGTGCTGAAGGTGCTATCTGTCTGCT[C>T]TAGTAATAAGCCGGCTATTGTAGAAGCTGGTAAGTATATGTATCTATTCTGAGTCTTGTG-3'
Protein context (NP_001895.1, residues 341-361): SRVLKVLSVC[Ser351Phe]SNKPAIVEAG

ClinVar aggregate classification (germline): Uncertain significance (1 of 4 stars; one submission).

Submission:

GeneDx
Classification: Uncertain significance. Last evaluated: 2025-06-21. Review status: criteria provided, single submitter. Criteria: GeneDx Variant Classification Process June 2021. Collection method: clinical testing. Allele origin: germline. Affected: yes.
Comment: Not observed at significant frequency in large population cohorts (gnomAD); In silico analysis supports that this missense variant has a deleterious effect on protein structure/function; Has not been previously published as pathogenic or benign to our knowledge